The following is an entry in ClinVar:

ClinVar aggregate classification (germline): Uncertain significance. Review status: criteria provided, multiple submitters, no conflicts (2 of 4 stars). 2 submissions from 2 submitters: Uncertain significance (2). Last evaluated 2025-08-20.

Conditions:
Inborn genetic diseases. Identifiers: MedGen C0950123, MeSH D030342.
Glycogen storage disease IXb (GSD9B). Also called: PHOSPHORYLASE KINASE DEFICIENCY OF LIVER AND MUSCLE, AUTOSOMAL RECESSIVE; GLYCOGENOSIS OF LIVER AND MUSCLE, AUTOSOMAL RECESSIVE; GSD IXb. Identifiers: Orphanet 79240, MedGen C0543514, MONDO:0009868, OMIM 261750.

Allele frequency attached by ClinVar (database versions not stated): TOPMed 0.00004; ExAC 0.00009; gnomAD exomes 0.00009; ESP Exome Variant Server 0.00015; 1000 Genomes Project 0.00060; 1000 Genomes Project 30x 0.00062.
gnomAD v4.1: 96 of 1,613,820 alleles (0.0059%); highest among the groups gnomAD compares: East Asian, 0.022%; no homozygotes.

Submissions (2):

Ambry Genetics
Classification: Uncertain significance for Inborn genetic diseases. Last evaluated: 2025-08-20. Review status: criteria provided, single submitter. Criteria: Ambry Variant Classification Scheme 2023. Collection method: clinical testing. Allele origin: germline.

Labcorp Genetics (formerly Invitae), Labcorp
Classification: Uncertain significance for Glycogen storage disease IXb. Last evaluated: 2022-10-17. Review status: criteria provided, single submitter. Criteria: Invitae Variant Classification Sherloc (09022015). Collection method: clinical testing. Allele origin: germline.
Comment: This sequence change replaces arginine, which is basic and polar, with histidine, which is basic and polar, at codon 436 of the PHKB protein (p.Arg436His). This variant is present in population databases (rs143602657, gnomAD 0.03%). This variant has not been reported in the literature in individuals affected with PHKB-related conditions. ClinVar contains an entry for this variant (Variation ID: 1494883). Algorithms developed to predict the effect of missense changes on protein structure and function (SIFT, PolyPhen-2, Align-GVGD) all suggest that this variant is likely to be tolerated. In summary, the available evidence is currently insufficient to determine the role of this variant in disease. Therefore, it has been classified as a Variant of Uncertain Significance.

NM_000293.3(PHKB):c.1307G>A (p.Arg436His)

Gene: PHKB (phosphorylase kinase regulatory subunit beta; plus strand). Cytogenetic location: 16q12.1.
Variant type: single nucleotide variant.
Coding change: c.1307G>A on transcript NM_000293.3 (MANE Select); coding-DNA position 1307, G replaced by A.
Protein change: p.Arg436His; replaces arginine 436 with histidine.
Molecular consequence: missense variant.
Genome position (GRCh38, 1-based): chr16:47,596,475, G>A. VCF-style: chr16-47596475-G-A. GRCh37 (hg19) VCF-style: chr16-47630386-G-A.
Other names: c.1286G>A, p.Arg429His (NM_001031835.3); c.1307G>A, p.Arg436His (NM_001363837.1); c.1307G>A (NM_000293.2); short protein forms R429H, R436H.
Identifiers: ClinVar variation 1494883 (VCV001494883.8), dbSNP rs143602657, ClinGen allele CA8040763.